The following is an entry in ClinVar:

NM_014905.5(GLS):c.-212GCA[12]

Genes: GLS (glutaminase; plus strand), LOC129935268 (ATAC-STARR-seq lymphoblastoid silent region 12186; plus strand). Cytogenetic location: 2q32.2.
Variant type: Microsatellite.
Coding change: c.-212GCA[12] on transcript NM_014905.5 (MANE Select); 12 copies in a row of the 3-base unit GCA starting at c.-212; the reference has 16 copies in a row; four copies, 12 bases deleted.
Molecular consequence: 5 prime UTR variant.
Genome position (GRCh38, 1-based): chr2:190,880,909-190,880,920, GCAGCAGCAGCA deleted; deleting any 12 consecutive bases within chr2:190,880,873-190,880,920 gives the same sequence; the position shown is the placement nearest the transcript's 3' end. VCF-style (leftmost placement, unchanged base first): chr2-190880872-CGCAGCAGCAGCA-C. GRCh37 (hg19) VCF-style: chr2-191745598-CGCAGCAGCAGCA-C.
Other names: c.-212GCA[12] (NM_001256310.2).
Identifiers: ClinVar variation 3047867 (VCV003047867.2), dbSNP rs57674096, ClinGen allele CA762383359.

ClinVar aggregate classification (germline): Likely benign (0 of 4 stars; one submission).

Conditions:
GLS-related disorder. Also called: GLS-related condition.

Submission:

PreventionGenetics, part of Exact Sciences
Classification: Likely benign for GLS-related condition. Last evaluated: 2021-09-30. Review status: no assertion criteria provided. Collection method: clinical testing. Allele origin: germline.
Comment: This variant is classified as likely benign based on ACMG/AMP sequence variant interpretation guidelines (Richards et al. 2015 PMID: 25741868, with internal and published modifications).